The following is an entry in ClinVar:

NM_015909.4(NBAS):c.5553A>T (p.Leu1851Phe)

Gene: NBAS (NBAS subunit of NRZ tethering complex; minus strand). Cytogenetic location: 2p24.3.
Variant type: single nucleotide variant.
Coding change: c.5553A>T on transcript NM_015909.4 (MANE Select); coding-DNA position 5553, A replaced by T.
Protein change: p.Leu1851Phe; replaces leucine 1851 with phenylalanine.
Molecular consequence: missense variant. On other transcripts: non-coding transcript variant (1).
Genome position (GRCh38, 1-based): chr2:15,275,655, T>A on the plus strand (A>T on the coding strand, the complement: NBAS is on the minus strand). VCF-style: chr2-15275655-T-A. GRCh37 (hg19) VCF-style: chr2-15415779-T-A.
Other names: short protein forms L1851F.
Identifiers: ClinVar variation 4774282 (VCV004774282.1).

ClinVar aggregate classification (germline): Uncertain significance (1 of 4 stars; one submission).

gnomAD v4.1: 1 of 1,614,206 alleles (0.000062%); highest among the groups gnomAD compares: Non-Finnish European, 0.000085%; no homozygotes.

Submission:

Labcorp Genetics (formerly Invitae), Labcorp
Classification: Uncertain significance. Last evaluated: 2025-08-18. Review status: criteria provided, single submitter. Criteria: Invitae Variant Classification Sherloc (09022015). Collection method: clinical testing. Allele origin: germline.
Comment: This sequence change replaces leucine, which is neutral and non-polar, with phenylalanine, which is neutral and non-polar, at codon 1851 of the NBAS protein (p.Leu1851Phe). This variant is present in population databases (no rsID available, gnomAD 0.0009%). This variant has not been reported in the literature in individuals affected with NBAS-related conditions. Invitae Evidence Modeling of protein sequence and biophysical properties (such as structural, functional, and spatial information, amino acid conservation, physicochemical variation, residue mobility, and thermodynamic stability) has been performed for this missense variant. However, the output from this modeling did not meet the statistical confidence thresholds required to predict the impact of this variant on NBAS protein function. In summary, the available evidence is currently insufficient to determine the role of this variant in disease. Therefore, it has been classified as a Variant of Uncertain Significance.